The following is an entry in ClinVar:

NM_002184.4(IL6ST):c.1216G>T (p.Val406Phe)

Gene: IL6ST (interleukin 6 cytokine family signal transducer; minus strand). Cytogenetic location: 5q11.2.
Variant type: single nucleotide variant.
Coding change: c.1216G>T on transcript NM_002184.4 (MANE Select); coding-DNA position 1216, G replaced by T.
Protein change: p.Val406Phe; replaces valine 406 with phenylalanine.
Molecular consequence: missense variant. On other transcripts: 3 prime UTR variant (1), non-coding transcript variant (2).
Genome position (GRCh38, 1-based): chr5:55,956,076, C>A on the plus strand (G>T on the coding strand, the complement: IL6ST is on the minus strand). VCF-style: chr5-55956076-C-A. GRCh37 (hg19) VCF-style: chr5-55251904-C-A.
Other names: c.1216G>T, p.Val406Phe (NM_001190981.2, NM_001364275.2); c.1006G>T, p.Val336Phe (NM_001364276.2); c.349G>T, p.Val117Phe (NM_001364277.2); c.313G>T, p.Val105Phe (NM_001364278.2); c.220G>T, p.Val74Phe (NM_001364279.2); c.*143G>T (NM_175767.3); short protein forms V117F, V74F, V406F, V105F, V336F.
Identifiers: ClinVar variation 1351484 (VCV001351484.6), dbSNP rs757341662, ClinGen allele CA3271473.

ClinVar aggregate classification (germline): Uncertain significance (1 of 4 stars; one submission).

Allele frequency attached by ClinVar (database versions not stated): ExAC 0.00002.
gnomAD v4.1: 9 of 1,613,642 alleles (0.00056%); highest among the groups gnomAD compares: Admixed American, 0.015%; no homozygotes.

Submission:

Labcorp Genetics (formerly Invitae), Labcorp
Classification: Uncertain significance. Last evaluated: 2022-09-01. Review status: criteria provided, single submitter. Criteria: Invitae Variant Classification Sherloc (09022015). Collection method: clinical testing. Allele origin: germline.
Comment: This variant has not been reported in the literature in individuals affected with IL6ST-related conditions. This variant is present in population databases (rs757341662, gnomAD 0.02%). This sequence change replaces valine, which is neutral and non-polar, with phenylalanine, which is neutral and non-polar, at codon 406 of the IL6ST protein (p.Val406Phe). ClinVar contains an entry for this variant (Variation ID: 1351484). In summary, the available evidence is currently insufficient to determine the role of this variant in disease. Therefore, it has been classified as a Variant of Uncertain Significance. Algorithms developed to predict the effect of missense changes on protein structure and function are either unavailable or do not agree on the potential impact of this missense change (SIFT: "Deleterious"; PolyPhen-2: "Possibly Damaging"; Align-GVGD: "Class C0").